The following is an entry in ClinVar:

ClinVar aggregate classification (germline): Uncertain significance (1 of 4 stars; one submission).

Conditions:
Cutis laxa, autosomal dominant 3 (ADCL3). Identifiers: Orphanet 90348, MedGen C4225268, MONDO:0014706, OMIM 616603.

Allele frequency attached by ClinVar (database versions not stated): gnomAD exomes below 0.00001.
gnomAD v4.1: 1 of 1,614,228 alleles (0.000062%); highest among the groups gnomAD compares: Non-Finnish European, 0.000085%; no homozygotes.

Submission:

Centre for Mendelian Genomics, University Medical Centre Ljubljana
Classification: Uncertain significance for Cutis laxa, autosomal dominant 3. Last evaluated: 2019-03-20. Review status: criteria provided, single submitter. Criteria: ACMG Guidelines, 2015. Collection method: clinical testing. Allele origin: unknown. Affected: yes.
Comment: This variant was classified as: Uncertain significance. The available evidence on this variant's pathogenicity is insufficient or conflicting. The following ACMG criteria were applied in classifying this variant: PM2.

NM_002860.4(ALDH18A1):c.1990C>T (p.Leu664Phe)

Gene: ALDH18A1 (aldehyde dehydrogenase 18 family member A1; minus strand). Cytogenetic location: 10q24.1.
Variant type: single nucleotide variant.
Coding change: c.1990C>T on transcript NM_002860.4 (MANE Select); coding-DNA position 1990, C replaced by T.
Protein change: p.Leu664Phe; replaces leucine 664 with phenylalanine.
Molecular consequence: missense variant.
Genome position (GRCh38, 1-based): chr10:95,611,376, G>A on the plus strand (C>T on the coding strand, the complement: ALDH18A1 is on the minus strand). VCF-style: chr10-95611376-G-A. GRCh37 (hg19) VCF-style: chr10-97371133-G-A.
Other names: c.1984C>T, p.Leu662Phe (NM_001017423.2, NM_001323415.2); c.1657C>T, p.Leu553Phe (NM_001323412.2, NM_001323416.2); c.1990C>T, p.Leu664Phe (NM_001323413.2, NM_001323414.2); c.1885C>T, p.Leu629Phe (NM_001323417.2); c.1651C>T, p.Leu551Phe (NM_001323418.2); c.1354C>T, p.Leu452Phe (NM_001323419.2); short protein forms L664F, L629F, L452F, L662F, L551F, L553F.
Identifiers: ClinVar variation 930682 (VCV000930682.3), dbSNP rs2097834101, ClinGen allele CA377700046.
Genomic context (GRCh38, chr10:95,611,376, plus strand): 5'-CATCCTGAACGTTGTCCACTACTTCAATGCATAATTCCAGGTCCCCATACTCAGTTCGGA[G>A]TGACTTCACTTCGGAGGGGCTGAAGGTCAGATAGGAGGCAAATTTGGGGCCTGCATGAAT-3'
Protein context (NP_002851.2, residues 654-674): LTFSPSEVKS[Leu664Phe]RTEYGDLELC